The following is an entry in ClinVar:

NM_004260.4(RECQL4):c.3047C>T (p.Pro1016Leu)

Gene: RECQL4 (RecQ like helicase 4; minus strand). Cytogenetic location: 8q24.3.
Variant type: single nucleotide variant.
Coding change: c.3047C>T on transcript NM_004260.4 (MANE Select); coding-DNA position 3047, C replaced by T.
Protein change: p.Pro1016Leu; replaces proline 1016 with leucine.
Molecular consequence: missense variant. On other transcripts: non-coding transcript variant (3).
Genome position (GRCh38, 1-based): chr8:144,512,400, G>A on the plus strand (C>T on the coding strand, the complement: RECQL4 is on the minus strand). VCF-style: chr8-144512400-G-A. GRCh37 (hg19) VCF-style: chr8-145737783-G-A.
Other names: c.2753C>T, p.Pro918Leu (NM_001413017.1); c.2849C>T, p.Pro950Leu (NM_001413018.1); c.3122C>T, p.Pro1041Leu (NM_001413019.1); c.2951C>T, p.Pro984Leu (NM_001413020.1); c.1976C>T, p.Pro659Leu (NM_001413021.1, NM_001413022.1, NM_001413024.1 and 4 more transcripts); c.2051C>T, p.Pro684Leu (NM_001413023.1); c.2918C>T, p.Pro973Leu (NM_001413025.1); c.1910C>T, p.Pro637Leu (NM_001413027.1, NM_001413030.1, NM_001413032.1); and 9 more; short protein forms P1006L, P1041L, P527L, P615L, P659L, P950L, P1016L, P662L.
Identifiers: ClinVar variation 3431900 (VCV003431900.1).

ClinVar aggregate classification (germline): Uncertain significance (1 of 4 stars; one submission).

Conditions:
Inborn genetic diseases. Identifiers: MedGen C0950123, MeSH D030342.

gnomAD v4.1: 1 of 1,607,478 alleles (0.000062%); highest among the groups gnomAD compares: Middle Eastern, 0.017%; no homozygotes.

Submission:

Ambry Genetics
Classification: Uncertain significance for Inborn genetic diseases. Last evaluated: 2024-11-30. Review status: criteria provided, single submitter. Criteria: Ambry Variant Classification Scheme 2023. Collection method: clinical testing. Allele origin: germline.
Comment: The p.P1016L variant (also known as c.3047C>T), located in coding exon 17 of the RECQL4 gene, results from a C to T substitution at nucleotide position 3047. The proline at codon 1016 is replaced by leucine, an amino acid with similar properties. This amino acid position is conserved. In addition, this alteration is predicted to be tolerated by in silico analysis. Based on the available evidence, the clinical significance of this variant remains unclear.